The following is an entry in ClinVar:

NM_005245.4(FAT1):c.12429G>A (p.Glu4143=)

Gene: FAT1 (FAT atypical cadherin 1; minus strand). Cytogenetic location: 4q35.2.
Variant type: single nucleotide variant.
Coding change: c.12429G>A on transcript NM_005245.4 (MANE Select); coding-DNA position 12429, G replaced by A.
Protein change: p.Glu4143=; no amino-acid change (glutamic acid 4143 retained).
Molecular consequence: synonymous variant.
Genome position (GRCh38, 1-based): chr4:186,597,111, C>T on the plus strand (G>A on the coding strand, the complement: FAT1 is on the minus strand). VCF-style: chr4-186597111-C-T. GRCh37 (hg19) VCF-style: chr4-187518265-C-T.
Other names: c.12429G>A (NM_005245.3).
Identifiers: ClinVar variation 1613338 (VCV001613338.22), dbSNP rs200934696, ClinGen allele CA3164816.

ClinVar aggregate classification (germline): Benign/Likely benign. Review status: criteria provided, multiple submitters, no conflicts (2 of 4 stars). 3 submissions from 3 submitters: Benign (1); Likely benign (2). Last evaluated 2026-01-02.

Conditions:
Inborn genetic diseases. Identifiers: MedGen C0950123, MeSH D030342.

Allele frequency attached by ClinVar (database versions not stated): ESP Exome Variant Server 0.00032; TOPMed 0.00038; ExAC 0.00039; gnomAD 0.00039 and 0.00041; gnomAD exomes 0.00055.
gnomAD v4.1: 448 of 1,613,834 alleles (0.028%); highest among the groups gnomAD compares: Admixed American, 0.052%; 4 homozygotes.

Submissions (3):

Labcorp Genetics (formerly Invitae), Labcorp
Classification: Benign. Last evaluated: 2026-01-02. Review status: criteria provided, single submitter. Criteria: Invitae Variant Classification Sherloc (09022015). Collection method: clinical testing. Allele origin: germline.

Ambry Genetics
Classification: Likely benign for Inborn genetic diseases. Last evaluated: 2025-04-11. Review status: criteria provided, single submitter. Criteria: Ambry Variant Classification Scheme 2023. Collection method: clinical testing. Allele origin: germline.

CeGaT Center for Human Genetics Tuebingen
Classification: Likely benign. Last evaluated: 2024-11-01. Review status: criteria provided, single submitter. Criteria: CeGaT Center For Human Genetics Tuebingen Variant Classification Criteria Version 2. Collection method: clinical testing. Allele origin: germline. Affected: yes. Observed: 1 variant allele.
Comment: FAT1: BP4, BS1